The following is an entry in ClinVar:

NM_001281740.3(FHOD3):c.3314G>A (p.Arg1105His)

Gene: FHOD3 (formin homology 2 domain containing 3; plus strand). Cytogenetic location: 18q12.2.
Variant type: single nucleotide variant.
Coding change: c.3314G>A on transcript NM_001281740.3 (MANE Select); coding-DNA position 3314, G replaced by A.
Protein change: p.Arg1105His; replaces arginine 1105 with histidine.
Molecular consequence: missense variant.
Genome position (GRCh38, 1-based): chr18:36,718,612, G>A. VCF-style: chr18-36718612-G-A. GRCh37 (hg19) VCF-style: chr18-34298575-G-A.
Other names: c.2738G>A, p.Arg913His (NM_001281739.3); c.2789G>A, p.Arg930His (NM_025135.5); c.3314G>A (NM_001281740.2); short protein forms R1105H, R930H, R913H.
Identifiers: ClinVar variation 2300319 (VCV002300319.4), dbSNP rs369061380, ClinGen allele CA8942071.

ClinVar aggregate classification (germline): Conflicting classifications of pathogenicity. Review status: criteria provided, conflicting classifications (1 of 4 stars). 3 submissions from 3 submitters: Uncertain significance (2); Likely benign (1). Last evaluated 2026-01-28.

Conditions:
FHOD3-related disorder. Also called: FHOD3-related condition.
Inborn genetic diseases. Identifiers: MedGen C0950123, MeSH D030342.

Allele frequency attached by ClinVar (database versions not stated): gnomAD 0.00005; gnomAD exomes 0.00005; TOPMed 0.00005; ESP Exome Variant Server 0.00008; ExAC 0.00010.
gnomAD v4.1: 80 of 1,613,966 alleles (0.005%); highest among the groups gnomAD compares: South Asian, 0.019%; no homozygotes.

Submissions (3):

PreventionGenetics, part of Exact Sciences
Classification: Uncertain significance for FHOD3-related condition. Last evaluated: 2026-01-28. Review status: criteria provided, single submitter. Criteria: ACMG Guidelines, 2015. Collection method: clinical testing. Allele origin: germline.
Comment: The FHOD3 c.3314G>A variant is predicted to result in the amino acid substitution p.Arg1105His. To our knowledge, this variant has not been reported in the literature. This variant is reported in 0.039% of alleles in individuals of South Asian descent in gnomAD. Although we suspect that this variant may be benign, at this time, the clinical significance of this variant is uncertain due to the absence of conclusive functional and genetic evidence.

Molecular Diagnostic Laboratory for Inherited Cardiovascular Disease, Montreal Heart Institute
Classification: Likely benign. Last evaluated: 2025-04-09. Review status: criteria provided, single submitter. Criteria: ACMG Guidelines, 2015. Collection method: clinical testing. Allele origin: germline. Affected: no.
Comment: BP4

Ambry Genetics
Classification: Uncertain significance for Inborn genetic diseases. Last evaluated: 2022-07-08. Review status: criteria provided, single submitter. Criteria: Ambry Variant Classification Scheme 2023. Collection method: clinical testing. Allele origin: germline.